The following is an entry in ClinVar:

NM_019032.6(ADAMTSL4):c.1600T>G (p.Ser534Ala)

Genes: ADAMTSL4 (ADAMTS like 4; plus strand), ADAMTSL4-AS2 (ADAMTSL4 antisense RNA 2; minus strand). Cytogenetic location: 1q21.2.
Variant type: single nucleotide variant.
Coding change: c.1600T>G on transcript NM_019032.6 (MANE Select); coding-DNA position 1600, T replaced by G.
Protein change: p.Ser534Ala; replaces serine 534 with alanine.
Molecular consequence: missense variant.
Genome position (GRCh38, 1-based): chr1:150,556,644, T>G. VCF-style: chr1-150556644-T-G. GRCh37 (hg19) VCF-style: chr1-150529120-T-G.
Other names: c.1669T>G, p.Ser557Ala (NM_001288607.2, NM_001288608.2); c.1600T>G, p.Ser534Ala (NM_001378596.1, NM_025008.5); short protein forms S534A, S557A.
Identifiers: ClinVar variation 2115244 (VCV002115244.4), dbSNP rs2526706392, ClinGen allele CA342311006.

ClinVar aggregate classification (germline): Uncertain significance (1 of 4 stars; one submission).

Submission:

Labcorp Genetics (formerly Invitae), Labcorp
Classification: Uncertain significance. Last evaluated: 2022-10-13. Review status: criteria provided, single submitter. Criteria: Invitae Variant Classification Sherloc (09022015). Collection method: clinical testing. Allele origin: germline.
Comment: This sequence change replaces serine, which is neutral and polar, with alanine, which is neutral and non-polar, at codon 534 of the ADAMTSL4 protein (p.Ser534Ala). This variant is not present in population databases (gnomAD no frequency). This variant has not been reported in the literature in individuals affected with ADAMTSL4-related conditions. Advanced modeling of protein sequence and biophysical properties (such as structural, functional, and spatial information, amino acid conservation, physicochemical variation, residue mobility, and thermodynamic stability) performed at Invitae indicates that this missense variant is expected to disrupt ADAMTSL4 protein function. In summary, the available evidence is currently insufficient to determine the role of this variant in disease. Therefore, it has been classified as a Variant of Uncertain Significance.